The following is an entry in ClinVar:

NM_001267550.2(TTN):c.11311+4203del

Gene: TTN (titin; minus strand). Cytogenetic location: 2q31.2.
Variant type: Deletion.
Coding change: c.11311+4203del on transcript NM_001267550.2 (MANE Select); 4203 bases into the intron after coding-DNA position 11311, one base deleted (A; older notation c.11311+4203delA).
Molecular consequence: intron variant. On other transcripts: frameshift variant (1).
Genome position (GRCh38, 1-based): chr2:178,748,921, T deleted on the plus strand (A on the coding strand, the reverse complement: TTN is on the minus strand); the first of 3 consecutive T bases (chr2:178,748,921-178,748,923); deleting any one gives the same sequence. VCF-style (leftmost placement, unchanged base first): chr2-178748920-CT-C. GRCh37 (hg19) VCF-style: chr2-179613647-CT-C.
Other names: c.13479del, p.Ala4494fs (NM_133379.5); c.10222+4203del (NM_003319.4); c.10798+4203del (NM_133437.4); c.10597+4203del (NM_133432.3); c.10360+4203del (NM_133378.4, NM_001256850.1); short protein forms A4494fs.
Identifiers: ClinVar variation 2506421 (VCV002506421.2), dbSNP rs1238448278, ClinGen allele CA538437994.

ClinVar aggregate classification (germline): Likely pathogenic (0 of 4 stars; one submission).

Conditions:
Primary dilated cardiomyopathy (DCM). Also called: Dilated Cardiomyopathy. Identifiers: Orphanet 217604, MedGen C0007193, MeSH D002311, MONDO:0005021, HP:0001644. Inheritance: Various modes of inheritance.

Submission:

Genotypic Technology Pvt Ltd
Classification: Likely pathogenic for Dilated cardiomyopathy. Last evaluated: 2022-11-21. Review status: no assertion criteria provided. Collection method: clinical testing. Allele origin: germline. Inheritance: Autosomal dominant inheritance. Affected: yes.
Comment: A single base deletion variant at position 179613647 on chromosome 2 has not been reported earlier either as benign or pathogenic variant to our knowledge. This variant is present in the exon 46 of Novex3 isoform of TTN which is a cardiac specific isoform. This deletion leads to reading frameshift resulting in premature termination of the chain. With the strong scoring by varsome this variant is classified as likely pathogenic